The following is an entry in ClinVar:

ClinVar aggregate classification (germline): Likely benign. Review status: criteria provided, multiple submitters, no conflicts (2 of 4 stars). 2 submissions from 2 submitters: Likely benign (2). Last evaluated 2025-09-25.

Conditions:
Familial hypercholesterolemia. Also called: Familial hypercholesterolemias; Familial hypercholesterolaemia. Identifiers: MedGen C0020445, MONDO:0005439.
Hypercholesterolemia, autosomal dominant, type B (FHCL2). Also called: Familial Hypercholesterolemia Type B; APOLIPOPROTEIN B-100, FAMILIAL DEFECTIVE; APOLIPOPROTEIN B-100, FAMILIAL LIGAND-DEFECTIVE; APOB-Related Familial Hypercholesterolemia, Autosomal Dominant; HYPERCHOLESTEROLEMIA, FAMILIAL, DUE TO LIGAND-DEFECTIVE APOLIPOPROTEIN B; Familial hypercholesterolemia 2. Identifiers: MedGen C1704417, MONDO:0007751, OMIM 144010.
Familial hypobetalipoproteinemia 1. Also called: APOB-Related Familial Hypobetalipoproteinemia; Hypobetalipoproteinemia, normotriglyceridemic; Acanthocytosis with hypobetalipoproteinemia. Identifiers: MedGen C4551990, MONDO:0014252, OMIM 615558.

Allele frequency attached by ClinVar (database versions not stated): gnomAD exomes below 0.00001.
gnomAD v4.1: 1 of 1,614,032 alleles (0.000062%); highest among the groups gnomAD compares: Non-Finnish European, 0.000085%; no homozygotes.

Submissions (2):

GENinCode PLC
Classification: Likely benign for Familial hypercholesterolemia. Last evaluated: 2025-09-25. Review status: criteria provided, single submitter. Criteria: ACMG Guidelines, 2015. Collection method: clinical testing. Allele origin: germline.
Comment: This is a synonymous (silent) variant that is not predicted to impact splicing and occurs at a nucleotide which is not highly conserved. This variant has been classified as Likely Benign (BP4, BP7).

Labcorp Genetics (formerly Invitae), Labcorp
Classification: Likely benign for Familial hypobetalipoproteinemia 1; Hypercholesterolemia, autosomal dominant, type B. Last evaluated: 2024-04-03. Review status: criteria provided, single submitter. Criteria: Invitae Variant Classification Sherloc (09022015). Collection method: clinical testing. Allele origin: germline.

NM_000384.3(APOB):c.9786A>T (p.Pro3262=)

Gene: APOB (apolipoprotein B; minus strand). Cytogenetic location: 2p24.1.
Variant type: single nucleotide variant.
Coding change: c.9786A>T on transcript NM_000384.3 (MANE Select); coding-DNA position 9786, A replaced by T.
Protein change: p.Pro3262=; no amino-acid change (proline 3262 retained).
Molecular consequence: synonymous variant.
Genome position (GRCh38, 1-based): chr2:21,007,082, T>A on the plus strand (A>T on the coding strand, the complement: APOB is on the minus strand). VCF-style: chr2-21007082-T-A. GRCh37 (hg19) VCF-style: chr2-21229954-T-A.
Identifiers: ClinVar variation 704826 (VCV000704826.11), dbSNP rs1572779424, ClinGen allele CA425343986.